The following is an entry in ClinVar:

NM_004174.4(SLC9A3):c.1565G>A (p.Arg522Gln)

Genes: SLC9A3 (solute carrier family 9 member A3), SLC9A3-AS1 (SLC9A3 antisense RNA 1; plus strand). Cytogenetic location: 5p15.33.
Variant type: single nucleotide variant.
Coding change: c.1565G>A on transcript NM_004174.4 (MANE Select); coding-DNA position 1565, G replaced by A.
Protein change: p.Arg522Gln; replaces arginine 522 with glutamine.
Molecular consequence: missense variant. On other transcripts: non-coding transcript variant (1).
Genome position (GRCh38, 1-based): chr5:479,918, C>T on the plus strand (G>A on the coding strand, the complement: SLC9A3 is on the minus strand). VCF-style: chr5-479918-C-T. GRCh37 (hg19) VCF-style: chr5-480033-C-T.
Other names: p.Arg522Gln; c.1538G>A, p.Arg513Gln (NM_001284351.3); short protein forms R513Q, R522Q.
Identifiers: ClinVar variation 1369779 (VCV001369779.7), dbSNP rs139467260, ClinGen allele CA3175827.
Genomic context (GRCh38, chr5:479,918, plus strand): 5'-TCCTTCAGGTTCAGCTCGTGGAAGACATTCAGGATCCGGTCTCGAGACTTCTGGGCCGAC[C>T]GTCTCATGAGGACCCTGCTGAGGAACTTCCTGTCGAAGTGGGACCACCTGTAGGGACAGA-3'
Protein context (NP_004165.2, residues 512-532): RKFLSRVLMR[Arg522Gln]SAQKSRDRIL

ClinVar aggregate classification (germline): Uncertain significance. Review status: criteria provided, multiple submitters, no conflicts (2 of 4 stars). 2 submissions from 2 submitters: Uncertain significance (2). Last evaluated 2024-04-01.

Allele frequency attached by ClinVar (database versions not stated): gnomAD exomes 0.00005 and 0.00015; ExAC 0.00023; gnomAD 0.00052 and 0.00053; TOPMed 0.00056; ESP Exome Variant Server 0.00062; 1000 Genomes Project 0.00100; 1000 Genomes Project 30x 0.00125.
gnomAD v4.1: 162 of 1,613,948 alleles (0.01%); highest among the groups gnomAD compares: African/African-American, 0.18%; no homozygotes.

Submissions (2):

Mayo Clinic Laboratories, Mayo Clinic
Classification: Uncertain significance. Last evaluated: 2024-04-01. Review status: criteria provided, single submitter. Criteria: ACMG Guidelines, 2015. Collection method: clinical testing. Allele origin: germline. Observed: 1 variant allele.
Comment: BP4

Labcorp Genetics (formerly Invitae), Labcorp
Classification: Uncertain significance. Last evaluated: 2023-10-18. Review status: criteria provided, single submitter. Criteria: Invitae Variant Classification Sherloc (09022015). Collection method: clinical testing. Allele origin: germline.
Comment: This sequence change replaces arginine, which is basic and polar, with glutamine, which is neutral and polar, at codon 522 of the SLC9A3 protein (p.Arg522Gln). This variant is present in population databases (rs139467260, gnomAD 0.2%). This variant has not been reported in the literature in individuals affected with SLC9A3-related conditions. ClinVar contains an entry for this variant (Variation ID: 1369779). Advanced modeling of protein sequence and biophysical properties (such as structural, functional, and spatial information, amino acid conservation, physicochemical variation, residue mobility, and thermodynamic stability) performed at Invitae indicates that this missense variant is not expected to disrupt SLC9A3 protein function. In summary, the available evidence is currently insufficient to determine the role of this variant in disease. Therefore, it has been classified as a Variant of Uncertain Significance.